The following is an entry in ClinVar:

ClinVar aggregate classification (germline): Conflicting classifications of pathogenicity. Review status: criteria provided, conflicting classifications (1 of 4 stars). 3 submissions from 3 submitters: Uncertain significance (2); Benign (1). Last evaluated 2026-01-31.

Conditions:
Cardiovascular phenotype. Identifiers: MedGen CN230736.
Brugada syndrome. Also called: Sudden Unexplained Death Syndrome; Sudden Unexplained Nocturnal Death Syndrome (SUNDS); Sudden unexpected nocturnal death syndrome; Sudden unexplained nocturnal death syndrome. Identifiers: Orphanet 130, MedGen C1142166, MONDO:0015263.

Allele frequency attached by ClinVar (database versions not stated): gnomAD exomes below 0.00001; ExAC 0.00002; TOPMed 0.00004; gnomAD 0.00005.

Submissions (3):

Labcorp Genetics (formerly Invitae), Labcorp
Classification: Uncertain significance for Brugada syndrome. Last evaluated: 2026-01-31. Review status: criteria provided, single submitter. Criteria: Invitae Variant Classification Sherloc (09022015). Collection method: clinical testing. Allele origin: germline.
Comment: This sequence change replaces methionine, which is neutral and non-polar, with isoleucine, which is neutral and non-polar, at codon 1825 of the SCN10A protein (p.Met1825Ile). This variant is present in population databases (rs778842299, gnomAD 0.03%). This variant has not been reported in the literature in individuals affected with SCN10A-related conditions. ClinVar contains an entry for this variant (Variation ID: 1747764). Invitae Evidence Modeling of protein sequence and biophysical properties (such as structural, functional, and spatial information, amino acid conservation, physicochemical variation, residue mobility, and thermodynamic stability) indicates that this missense variant is not expected to disrupt SCN10A protein function with a negative predictive value of 80%. In summary, the available evidence is currently insufficient to determine the role of this variant in disease. Therefore, it has been classified as a Variant of Uncertain Significance.

Ambry Genetics
Classification: Benign for Cardiovascular phenotype. Last evaluated: 2023-12-18. Review status: criteria provided, single submitter. Criteria: Ambry Variant Classification Scheme 2023. Collection method: clinical testing. Allele origin: germline.

GeneDx
Classification: Uncertain significance. Last evaluated: 2023-07-27. Review status: criteria provided, single submitter. Criteria: GeneDx Variant Classification Process June 2021. Collection method: clinical testing. Allele origin: germline. Affected: yes.
Comment: Identified de novo in a patient with congenital diaphragmatic hernia (Qiao et al., 2021); this patient also harbored two other de novo variants; In silico analysis supports that this missense variant has a deleterious effect on protein structure/function; This variant is associated with the following publications: (PMID: 34547244)

NM_006514.4(SCN10A):c.5475G>A (p.Met1825Ile)

Gene: SCN10A (sodium voltage-gated channel alpha subunit 10; minus strand). Cytogenetic location: 3p22.2.
Variant type: single nucleotide variant.
Coding change: c.5475G>A on transcript NM_006514.4 (MANE Select); coding-DNA position 5475, G replaced by A.
Protein change: p.Met1825Ile; replaces methionine 1825 with isoleucine.
Molecular consequence: missense variant.
Genome position (GRCh38, 1-based): chr3:38,697,745, C>T on the plus strand (G>A on the coding strand, the complement: SCN10A is on the minus strand). VCF-style: chr3-38697745-C-T. GRCh37 (hg19) VCF-style: chr3-38739236-C-T.
Other names: c.5472G>A, p.Met1824Ile (NM_001293306.2); c.5181G>A, p.Met1727Ile (NM_001293307.2); short protein forms M1727I, M1824I, M1825I.
Identifiers: ClinVar variation 1747764 (VCV001747764.4), dbSNP rs778842299, ClinGen allele CA2319667.